The following is an entry in ClinVar:

NM_000081.4(LYST):c.6446C>A (p.Ser2149Tyr)

Gene: LYST (lysosomal trafficking regulator; minus strand). Cytogenetic location: 1q42.3.
Variant type: single nucleotide variant.
Coding change: c.6446C>A on transcript NM_000081.4 (MANE Select); coding-DNA position 6446, C replaced by A.
Protein change: p.Ser2149Tyr; replaces serine 2149 with tyrosine.
Molecular consequence: missense variant.
Genome position (GRCh38, 1-based): chr1:235,759,407, G>T on the plus strand (C>A on the coding strand, the complement: LYST is on the minus strand). VCF-style: chr1-235759407-G-T. GRCh37 (hg19) VCF-style: chr1-235922707-G-T.
Other names: c.6446C>A, p.Ser2149Tyr (NM_001301365.1); short protein forms S2149Y.
Identifiers: ClinVar variation 1360280 (VCV001360280.6), dbSNP rs762813007, ClinGen allele CA1466375.

ClinVar aggregate classification (germline): Uncertain significance (1 of 4 stars; one submission).

Conditions:
Chédiak-Higashi syndrome (CHS). Also called: Chediak-Higashi Syndrome. Identifiers: Orphanet 167, MedGen C0007965, MONDO:0008963, OMIM 214500.

Allele frequency attached by ClinVar (database versions not stated): TOPMed below 0.00001; ExAC 0.00001.
gnomAD v4.1: 9 of 1,614,096 alleles (0.00056%); highest among the groups gnomAD compares: South Asian, 0.0066%; no homozygotes.

Submission:

Labcorp Genetics (formerly Invitae), Labcorp
Classification: Uncertain significance for Chédiak-Higashi syndrome. Last evaluated: 2025-07-28. Review status: criteria provided, single submitter. Criteria: Invitae Variant Classification Sherloc (09022015). Collection method: clinical testing. Allele origin: germline.
Comment: This sequence change replaces serine, which is neutral and polar, with tyrosine, which is neutral and polar, at codon 2149 of the LYST protein (p.Ser2149Tyr). This variant is present in population databases (rs762813007, gnomAD 0.006%). This variant has not been reported in the literature in individuals affected with LYST-related conditions. ClinVar contains an entry for this variant (Variation ID: 1360280). Invitae Evidence Modeling of protein sequence and biophysical properties (such as structural, functional, and spatial information, amino acid conservation, physicochemical variation, residue mobility, and thermodynamic stability) indicates that this missense variant is not expected to disrupt LYST protein function with a negative predictive value of 80%. In summary, the available evidence is currently insufficient to determine the role of this variant in disease. Therefore, it has been classified as a Variant of Uncertain Significance.